The following is an entry in ClinVar:

NM_001370259.2(MEN1):c.16_17del (p.Ala6fs)

Gene: MEN1 (menin 1; minus strand). Cytogenetic location: 11q13.1.
Variant type: Deletion.
Coding change: c.16_17del on transcript NM_001370259.2 (MANE Select); coding-DNA positions 16 to 17, 2 bases deleted (GC; older notation c.16_17delGC).
Protein change: p.Ala6fs; shifts the reading frame from alanine 6.
Molecular consequence: frameshift variant.
Genome position (GRCh38, 1-based): chr11:64,810,093-64,810,094, GC deleted on the plus strand (GC on the coding strand, the reverse complement: MEN1 is on the minus strand); deleting any 2 consecutive bases within chr11:64,810,093-64,810,095 gives the same sequence; the c. name uses the placement nearest the transcript's 3' end. VCF-style (leftmost placement, unchanged base first): chr11-64810092-GGC-G. GRCh37 (hg19) VCF-style: chr11-64577564-GGC-G.
Other names: c.16_17delGC (NM_130799.2); c.16_17del, p.Ala6fs (NM_000244.4, NM_001370251.2, NM_001370260.2 and 9 more transcripts); short protein forms A6fs.
Identifiers: ClinVar variation 428065 (VCV000428065.14), dbSNP rs1114167523, ClinGen allele CA645369576.

ClinVar aggregate classification (germline): Pathogenic. Review status: criteria provided, multiple submitters, no conflicts (2 of 4 stars). 2 submissions from 2 submitters: Pathogenic (2). Last evaluated 2020-03-11.

Conditions:
Hereditary cancer-predisposing syndrome. Also called: Hereditary neoplastic syndrome; Tumor predisposition; Neoplastic Syndromes, Hereditary; Hereditary Cancer Syndrome. Identifiers: Orphanet 140162, MedGen C0027672, MeSH D009386, MONDO:0015356.
Multiple endocrine neoplasia, type 1 (MEN1). Also called: MEN I; Endocrine adenomatosis multiple; MEN 1; WERMER SYNDROME; MEA I. Identifiers: Orphanet 652, MedGen C0025267, MeSH D018761, MONDO:0007540, OMIM 131100.

Submissions (2):

Ambry Genetics
Classification: Pathogenic for Hereditary cancer-predisposing syndrome. Last evaluated: 2020-03-11. Review status: criteria provided, single submitter. Criteria: Ambry Variant Classification Scheme 2023. Collection method: clinical testing. Allele origin: germline.
Comment: The c.16_17delGC pathogenic mutation, located in coding exon 1 of the MEN1 gene, results from a deletion of two nucleotides at nucleotide positions 16 to 17, causing a translational frameshift with a predicted alternate stop codon (p.A6Pfs*110). This alteration is expected to result in loss of function by premature protein truncation or nonsense-mediated mRNA decay. As such, this alteration is interpreted as a disease-causing mutation.

Labcorp Genetics (formerly Invitae), Labcorp
Classification: Pathogenic for Multiple endocrine neoplasia, type 1. Last evaluated: 2019-10-12. Review status: criteria provided, single submitter. Criteria: Invitae Variant Classification Sherloc (09022015). Collection method: clinical testing. Allele origin: germline.
Comment: This sequence change creates a premature translational stop signal (p.Ala6Profs*110) in the MEN1 gene. It is expected to result in an absent or disrupted protein product. This variant is not present in population databases (ExAC no frequency). This variant has not been reported in the literature in individuals with MEN1-related conditions. ClinVar contains an entry for this variant (Variation ID: 428065). Loss-of-function variants in MEN1 are known to be pathogenic (PMID: 12112656, 17853334). For these reasons, this variant has been classified as Pathogenic.

Literature cited by the submitters: PubMed 12112656 (cited by Labcorp Genetics (formerly Invitae), Labcorp); PubMed 17853334 (cited by Labcorp Genetics (formerly Invitae), Labcorp).